The following is an entry in ClinVar:

ClinVar aggregate classification (germline): Uncertain significance. Review status: criteria provided, multiple submitters, no conflicts (2 of 4 stars). 2 submissions from 2 submitters: Uncertain significance (2). Last evaluated 2026-06-29.

Conditions:
Hereditary cancer-predisposing syndrome. Also called: Tumor predisposition; Hereditary Cancer Syndrome; Hereditary neoplastic syndrome; Neoplastic Syndromes, Hereditary. Identifiers: Orphanet 140162, MedGen C0027672, MeSH D009386, MONDO:0015356.

Submissions (2):

Ambry Genetics
Classification: Uncertain significance for Hereditary cancer-predisposing syndrome. Last evaluated: 2026-06-29. Review status: criteria provided, single submitter. Criteria: Ambry Variant Classification Scheme 2023. Collection method: clinical testing. Allele origin: germline.
Comment: The c.602-3C>T intronic variant results from a C to T substitution 3 nucleotides upstream from coding exon 2 in the HOXB13 gene. This nucleotide position is well conserved in available vertebrate species. In silico splice site analysis predicts that this alteration will not have any significant effect on splicing. Based on the available evidence, the clinical significance of this variant remains unclear.

Labcorp Genetics (formerly Invitae), Labcorp
Classification: Uncertain significance. Last evaluated: 2021-07-14. Review status: criteria provided, single submitter. Criteria: Invitae Variant Classification Sherloc (09022015). Collection method: clinical testing. Allele origin: germline.
Comment: This sequence change falls in intron 1 of the HOXB13 gene. It does not directly change the encoded amino acid sequence of the HOXB13 protein, but it affects a nucleotide within the consensus splice site of the intron. This variant is not present in population databases (ExAC no frequency). This variant has not been reported in the literature in individuals with HOXB13-related conditions. Nucleotide substitutions within the consensus splice site are a relatively common cause of aberrant splicing (PMID: 17576681, 9536098). Algorithms developed to predict the effect of sequence changes on RNA splicing suggest that this variant is not likely to affect RNA splicing, but this prediction has not been confirmed by published transcriptional studies. In summary, the available evidence is currently insufficient to determine the role of this variant in disease. Therefore, it has been classified as a Variant of Uncertain Significance.

Literature cited by the submitters: PubMed 17576681 (cited by Labcorp Genetics (formerly Invitae), Labcorp); PubMed 9536098 (cited by Labcorp Genetics (formerly Invitae), Labcorp).

NM_006361.6(HOXB13):c.602-3C>T

Gene: HOXB13 (homeobox B13; minus strand). Cytogenetic location: 17q21.32.
Variant type: single nucleotide variant.
Coding change: c.602-3C>T on transcript NM_006361.6 (MANE Select); 3 bases into the intron before coding-DNA position 602, C replaced by T.
Molecular consequence: intron variant.
Genome position (GRCh38, 1-based): chr17:48,727,046, G>A on the plus strand (C>T on the coding strand, the complement: HOXB13 is on the minus strand). VCF-style: chr17-48727046-G-A. GRCh37 (hg19) VCF-style: chr17-46804408-G-A.
Other names: c.602-3C>T (NM_006361.5).
Identifiers: ClinVar variation 1054288 (VCV001054288.8), dbSNP rs1597933077, ClinGen allele CA2499224683.